The following is an entry in ClinVar:

NM_001376.5(DYNC1H1):c.1165A>G (p.Ser389Gly)

Gene: DYNC1H1 (dynein cytoplasmic 1 heavy chain 1; plus strand). Cytogenetic location: 14q32.31.
Variant type: single nucleotide variant.
Coding change: c.1165A>G on transcript NM_001376.5 (MANE Select); coding-DNA position 1165, A replaced by G.
Protein change: p.Ser389Gly; replaces serine 389 with glycine.
Molecular consequence: missense variant.
Genome position (GRCh38, 1-based): chr14:101,983,222, A>G. VCF-style: chr14-101983222-A-G. GRCh37 (hg19) VCF-style: chr14-102449559-A-G.
Other names: short protein forms S389G.
Identifiers: ClinVar variation 539766 (VCV000539766.10), dbSNP rs1239478672, ClinGen allele CA391013692.

ClinVar aggregate classification (germline): Uncertain significance. Review status: criteria provided, multiple submitters, no conflicts (2 of 4 stars). 2 submissions from 2 submitters: Uncertain significance (2). Last evaluated 2025-01-27.

Conditions:
Charcot-Marie-Tooth disease axonal type 2O. Also called: CHARCOT-MARIE-TOOTH NEUROPATHY, AXONAL, TYPE 2O; CHARCOT-MARIE-TOOTH DISEASE, AXONAL, AUTOSOMAL DOMINANT, TYPE 2O; Charcot-Marie-Tooth disease, axonal, type 20; Charcot-Marie-Tooth Neuropathy Type 2O. Identifiers: Orphanet 284232, MedGen C3280220, MONDO:0013644, OMIM 614228.

Allele frequency attached by ClinVar (database versions not stated): gnomAD exomes below 0.00001; gnomAD 0.00001; TOPMed 0.00002.
gnomAD v4.1: 2 of 1,614,132 alleles (0.00012%); highest among the groups gnomAD compares: African/African-American, 0.0027%; no homozygotes.

Submissions (2):

Labcorp Genetics (formerly Invitae), Labcorp
Classification: Uncertain significance for Charcot-Marie-Tooth disease axonal type 2O. Last evaluated: 2025-01-27. Review status: criteria provided, single submitter. Criteria: Invitae Variant Classification Sherloc (09022015). Collection method: clinical testing. Allele origin: germline.
Comment: This sequence change replaces serine, which is neutral and polar, with glycine, which is neutral and non-polar, at codon 389 of the DYNC1H1 protein (p.Ser389Gly). This variant is not present in population databases (gnomAD no frequency). This variant has not been reported in the literature in individuals affected with DYNC1H1-related conditions. ClinVar contains an entry for this variant (Variation ID: 539766). Invitae Evidence Modeling of protein sequence and biophysical properties (such as structural, functional, and spatial information, amino acid conservation, physicochemical variation, residue mobility, and thermodynamic stability) indicates that this missense variant is not expected to disrupt DYNC1H1 protein function with a negative predictive value of 95%. In summary, the available evidence is currently insufficient to determine the role of this variant in disease. Therefore, it has been classified as a Variant of Uncertain Significance.

GeneDx
Classification: Uncertain significance. Last evaluated: 2024-02-12. Review status: criteria provided, single submitter. Criteria: GeneDx Variant Classification Process June 2021. Collection method: clinical testing. Allele origin: germline. Affected: yes.
Comment: Not observed at significant frequency in large population cohorts (gnomAD); In silico analysis supports that this missense variant does not alter protein structure/function; Has not been previously published as pathogenic or benign to our knowledge; This variant is associated with the following publications: (PMID: 25512093, 25609763, 26100331)